The following is an entry in ClinVar:

NM_181523.3(PIK3R1):c.917-4792G>A

Gene: PIK3R1 (phosphoinositide-3-kinase regulatory subunit 1; plus strand). Cytogenetic location: 5q13.1.
Variant type: single nucleotide variant.
Coding change: c.917-4792G>A on transcript NM_181523.3 (MANE Select); 4792 bases into the intron before coding-DNA position 917, G replaced by A.
Molecular consequence: intron variant.
Genome position (GRCh38, 1-based): chr5:68,287,467, G>A. VCF-style: chr5-68287467-G-A. GRCh37 (hg19) VCF-style: chr5-67583295-G-A.
Identifiers: ClinVar variation 1342396 (VCV001342396.2), dbSNP rs1747126586, ClinGen allele CA1077124824.

ClinVar aggregate classification (germline): Uncertain significance (1 of 4 stars; one submission).

Conditions:
SHORT syndrome. Also called: LIPODYSTROPHY, PARTIAL, WITH RIEGER ANOMALY AND SHORT STATURE; PIK3R1-Related SHORT Syndrome; SHORT STATURE, HYPEREXTENSIBILITY, HERNIA, OCULAR DEPRESSION, RIEGER ANOMALY, AND TEETHING DELAY. Identifiers: Orphanet 3163, MedGen C0878684, MONDO:0010026, OMIM 269880.
Immunodeficiency 36 with lymphoproliferation. Also called: Immunodeficiency 36; ACTIVATED PI3K-DELTA SYNDROME 2; Activated PI3K Delta Syndrome Type 2 (APDS2). Identifiers: Orphanet 397596, Orphanet 693681, MedGen C4014934, MONDO:0014453, OMIM 616005.

Allele frequency attached by ClinVar (database versions not stated): gnomAD 0.00001; TOPMed 0.00001.
gnomAD v4.1: 1 of 152,110 alleles (0.00066%); highest among the groups gnomAD compares: Admixed American, 0.0065%; no homozygotes.

Submission:

New York Genome Center
Classification: Uncertain significance for Immunodeficiency 36 with lymphoproliferation; SHORT syndrome. Last evaluated: 2021-03-12. Review status: criteria provided, single submitter. Criteria: NYGC Assertion Criteria 2020. Collection method: clinical testing. Allele origin: inherited. Observed: 2 heterozygotes. Clinical features observed: Recurrent infections (HP:0002719), Decreased total B cell count (HP:0010976), Decreased specific antibody response to vaccination (HP:0032140), Joint hypermobility (HP:0001382), Abnormality of nail color (HP:0100643), Specific learning disability (HP:0001328), Global developmental delay (HP:0001263), Persistence of primary teeth (HP:0006335), Eczematoid dermatitis (HP:0000964), Atopic eczema (HP:0001047), Immunodeficiency (HP:0002721). Study: CSER-NYCKidSeq.
Comment: The inherited, deep intronic c.917-4792G>A variant identified in the PIK3R1 gene substitutes a Guanine for Adenine within intron 7/15. The Guanine at this position is only moderately conserved in vertebrates, and several vertebrate species have an Adenine at this position. This variant is found with low frequency in gnomAD(v3.1) (1 heterozygote, 0 homozygotes; allele frequency: 6.57e-6), suggesting it is not a common benign variant in the populations represented in that database. While SpliceAI does not predict that this variant will lead to an alteration of splicing, the Transcript inferred Pathogenicity (TraP) score for this variant is 0.284, which is between 95-97.5% (score-percentile) suggesting it is probably damaging to splicing. This variant has not been reported in ClinVar and to our current knowledge has not been reported in affected individuals in the literature. Given the lack of compelling evidence for its pathogenicity, the inherited, deep intronic c.917-4792G>A variant identified in the PIK3R1 gene is reported as a Variant of Uncertain Significance.